The following is an entry in ClinVar:

NM_005445.4(SMC3):c.965A>C (p.Gln322Pro)

Gene: SMC3 (structural maintenance of chromosomes 3; plus strand). Cytogenetic location: 10q25.2.
Variant type: single nucleotide variant.
Coding change: c.965A>C on transcript NM_005445.4 (MANE Select); coding-DNA position 965, A replaced by C.
Protein change: p.Gln322Pro; replaces glutamine 322 with proline.
Molecular consequence: missense variant.
Genome position (GRCh38, 1-based): chr10:110,583,544, A>C. VCF-style: chr10-110583544-A-C. GRCh37 (hg19) VCF-style: chr10-112343302-A-C.
Other names: short protein forms Q322P.
Identifiers: ClinVar variation 546269 (VCV000546269.4), dbSNP rs779885552, ClinGen allele CA378379821.

ClinVar aggregate classification (germline): Pathogenic (1 of 4 stars; one submission).

Submission:

GeneDx
Classification: Pathogenic. Last evaluated: 2023-09-10. Review status: criteria provided, single submitter. Criteria: GeneDx Variant Classification Process June 2021. Collection method: clinical testing. Allele origin: germline. Affected: yes.
Comment: Not observed at significant frequency in large population cohorts (gnomAD); In silico analysis supports that this missense variant does not alter protein structure/function; Has not been previously published as pathogenic or benign to our knowledge